The following is an entry in ClinVar:

NM_001145196.1(SPATA31A6):c.303G>T (p.Leu101=)

Gene: SPATA31A6 (SPATA31 subfamily A member 6; plus strand). Cytogenetic location: 9p11.2.
Variant type: single nucleotide variant.
Coding change: c.303G>T on transcript NM_001145196.1 (MANE Select); coding-DNA position 303, G replaced by T.
Protein change: p.Leu101=; no amino-acid change (leucine 101 retained).
Molecular consequence: synonymous variant.
Genome position (GRCh38, 1-based): chr9:42,185,750, G>T. VCF-style: chr9-42185750-G-T. GRCh37 (hg19) VCF-style: chr9-43628639-C-A.
Identifiers: ClinVar variation 5039057 (VCV005039057.1).

ClinVar aggregate classification (germline): Likely benign (1 of 4 stars; one submission).

Submission:

CeGaT Center for Human Genetics Tuebingen
Classification: Likely benign. Last evaluated: 2026-07-01. Review status: criteria provided, single submitter. Criteria: CeGaT Center For Human Genetics Tuebingen Variant Classification Criteria Version 2. Collection method: clinical testing. Allele origin: germline. Affected: yes. Observed: 1 variant allele.
Comment: SPATA31A6: BP4, BP7